The following is an entry in ClinVar:

NM_017777.4(MKS1):c.308T>C (p.Leu103Ser)

Gene: MKS1 (MKS transition zone complex subunit 1; minus strand). Cytogenetic location: 17q22.
Variant type: single nucleotide variant.
Coding change: c.308T>C on transcript NM_017777.4 (MANE Select); coding-DNA position 308, T replaced by C.
Protein change: p.Leu103Ser; replaces leucine 103 with serine.
Molecular consequence: missense variant. On other transcripts: 5 prime UTR variant (1).
Genome position (GRCh38, 1-based): chr17:58,216,197, A>G on the plus strand (T>C on the coding strand, the complement: MKS1 is on the minus strand). VCF-style: chr17-58216197-A-G. GRCh37 (hg19) VCF-style: chr17-56293558-A-G.
Other names: c.308T>C, p.Leu103Ser (NM_001321269.2, NM_001330397.2); c.308T>C (NM_017777.3); c.-204T>C (NM_001321268.2); short protein forms L103S.
Identifiers: ClinVar variation 1027466 (VCV001027466.4), dbSNP rs201574278, ClinGen allele CA8669568.

ClinVar aggregate classification (germline): Conflicting classifications of pathogenicity. Review status: criteria provided, conflicting classifications (1 of 4 stars). 3 submissions from 3 submitters: Likely pathogenic (1); Uncertain significance (2). Last evaluated 2026-08-10.

Conditions:
MKS1-related disorder. Also called: MKS1-related disorders; MKS1-related condition. Identifiers: MedGen CN239382.
Joubert syndrome. Also called: Familial aplasia of the vermis; JOUBERT-BOLTSHAUSER SYNDROME. Identifiers: Orphanet 475, MedGen C5979921, MONDO:0018772.
Meckel-Gruber syndrome. Also called: DYSENCEPHALIA SPLANCHNOCYSTICA; GRUBER SYNDROME; Dysencephalia splachnocystica. Identifiers: Orphanet 564, MedGen C0265215, MONDO:0018921.
Spastic ataxia. Identifiers: Orphanet 316226, MedGen C1849156, MONDO:0017845, HP:0002497.

Allele frequency attached by ClinVar (database versions not stated): ExAC 0.00001; gnomAD 0.00001; gnomAD exomes 0.00001 and 0.00002; TOPMed 0.00001; ESP Exome Variant Server 0.00008.
gnomAD v4.1: 28 of 1,613,978 alleles (0.0017%); highest among the groups gnomAD compares: Non-Finnish European, 0.0023%; no homozygotes.

Submissions (3):

PreventionGenetics, part of Exact Sciences
Classification: Uncertain significance for MKS1-related condition. Last evaluated: 2026-08-10. Review status: criteria provided, single submitter. Criteria: ACMG Guidelines, 2015. Collection method: clinical testing. Allele origin: germline.
Comment: The MKS1 c.308T>C variant is predicted to result in the amino acid substitution p.Leu103Ser. This variant has been reported in an individual with spinocerebellar ataxia (supplementary data, Galatolo et al. 2021. PubMed ID: 34445196). This variant is reported in 0.0023% of alleles in individuals of European (Non-Finnish) descent in gnomAD. At this time, the clinical significance of this variant is uncertain due to the absence of conclusive functional and genetic evidence.

Labcorp Genetics (formerly Invitae), Labcorp
Classification: Uncertain significance for Joubert syndrome; Meckel-Gruber syndrome. Last evaluated: 2022-03-16. Review status: criteria provided, single submitter. Criteria: Invitae Variant Classification Sherloc (09022015). Collection method: clinical testing. Allele origin: germline.
Comment: This sequence change replaces leucine, which is neutral and non-polar, with serine, which is neutral and polar, at codon 103 of the MKS1 protein (p.Leu103Ser). This variant is present in population databases (rs201574278, gnomAD 0.002%). This variant has not been reported in the literature in individuals affected with MKS1-related conditions. ClinVar contains an entry for this variant (Variation ID: 1027466). Advanced modeling of protein sequence and biophysical properties (such as structural, functional, and spatial information, amino acid conservation, physicochemical variation, residue mobility, and thermodynamic stability) performed at Invitae indicates that this missense variant is expected to disrupt MKS1 protein function. In summary, the available evidence is currently insufficient to determine the role of this variant in disease. Therefore, it has been classified as a Variant of Uncertain Significance.

Molecular Medicine for Neurodegenerative and Neuromuscular Diseases Unit, IRCCS Fondazione Stella Maris
Classification: Likely pathogenic for Spastic ataxia. Last evaluated: 2021-07-12. Review status: criteria provided, single submitter. Criteria: ACMG Guidelines, 2015. Collection method: research. Allele origin: unknown. Affected: yes.